The following is an entry in ClinVar:

ClinVar aggregate classification (germline): Uncertain significance (1 of 4 stars; one submission).

Allele frequency attached by ClinVar (database versions not stated): gnomAD 0.00001; gnomAD exomes 0.00001; TOPMed 0.00001.
gnomAD v4.1: 10 of 1,613,852 alleles (0.00062%); highest among the groups gnomAD compares: South Asian, 0.0033%; no homozygotes.

Submission:

Labcorp Genetics (formerly Invitae), Labcorp
Classification: Uncertain significance. Last evaluated: 2022-11-22. Review status: criteria provided, single submitter. Criteria: Invitae Variant Classification Sherloc (09022015). Collection method: clinical testing. Allele origin: germline.
Comment: ClinVar contains an entry for this variant (Variation ID: 953212). In summary, the available evidence is currently insufficient to determine the role of this variant in disease. Therefore, it has been classified as a Variant of Uncertain Significance. Algorithms developed to predict the effect of missense changes on protein structure and function (SIFT, PolyPhen-2, Align-GVGD) all suggest that this variant is likely to be disruptive. This variant has not been reported in the literature in individuals affected with DHX38-related conditions. This variant is present in population databases (no rsID available, gnomAD 0.003%). This sequence change replaces serine, which is neutral and polar, with leucine, which is neutral and non-polar, at codon 147 of the DHX38 protein (p.Ser147Leu).

NM_014003.4(DHX38):c.440C>T (p.Ser147Leu)

Gene: DHX38 (DEAH-box helicase 38; plus strand). Cytogenetic location: 16q22.2.
Variant type: single nucleotide variant.
Coding change: c.440C>T on transcript NM_014003.4 (MANE Select); coding-DNA position 440, C replaced by T.
Protein change: p.Ser147Leu; replaces serine 147 with leucine.
Molecular consequence: missense variant.
Genome position (GRCh38, 1-based): chr16:72,096,938, C>T. VCF-style: chr16-72096938-C-T. GRCh37 (hg19) VCF-style: chr16-72130837-C-T.
Other names: short protein forms S147L.
Identifiers: ClinVar variation 953212 (VCV000953212.8), dbSNP rs972681537, ClinGen allele CA283673029.
Genomic context (GRCh38, chr16:72,096,938, plus strand): 5'-AGTTTTGGGAACGCAGTCGGCAGAGAGAGCGGGAGCGGCGGGAACATGGTGTCTATGCCT[C>T]GTCCAAAGAAGAAAAGGATTGGAAGAAGGAGAAATCGCGGGATCGAGACTATGACCGCAA-3'
Protein context (NP_054722.2, residues 137-157): RERREHGVYA[Ser147Leu]SKEEKDWKKE